The following is an entry in ClinVar:

NM_000179.3(MSH6):c.845T>G (p.Val282Gly)

Gene: MSH6 (mutS homolog 6; plus strand). Cytogenetic location: 2p16.3.
Variant type: single nucleotide variant.
Coding change: c.845T>G on transcript NM_000179.3 (MANE Select); coding-DNA position 845, T replaced by G.
Protein change: p.Val282Gly; replaces valine 282 with glycine.
Molecular consequence: missense variant. On other transcripts: 5 prime UTR variant (2).
Genome position (GRCh38, 1-based): chr2:47,798,828, T>G. VCF-style: chr2-47798828-T-G. GRCh37 (hg19) VCF-style: chr2-48025967-T-G.
Other names: c.455T>G, p.Val152Gly (NM_001281492.2); c.-62T>G (NM_001281493.2, NM_001281494.2, NM_001406811.1 and 6 more transcripts); c.941T>G, p.Val314Gly (NM_001406795.1, NM_001406802.1); c.845T>G, p.Val282Gly (NM_001406796.1, NM_001406798.1, NM_001406800.1 and 4 more transcripts); c.548T>G, p.Val183Gly (NM_001406797.1, NM_001406801.1, NM_001406805.1 and 10 more transcripts); c.320T>G, p.Val107Gly (NM_001406799.1, NM_001406806.1, NM_001406807.1); c.767T>G, p.Val256Gly (NM_001406804.1); c.851T>G, p.Val284Gly (NM_001406813.1); and 1 more; short protein forms V152G, V226G, V256G, V284G, V183G, V107G, V282G, V314G.
Identifiers: ClinVar variation 1763464 (VCV001763464.6), dbSNP rs2530574162, ClinGen allele CA346740528.

ClinVar aggregate classification (germline): Uncertain significance. Review status: criteria provided, multiple submitters, no conflicts (2 of 4 stars). 2 submissions from 2 submitters: Uncertain significance (2). Last evaluated 2025-10-31.

Conditions:
Hereditary nonpolyposis colorectal neoplasms. Identifiers: MedGen C0009405, MeSH D003123.
Hereditary cancer-predisposing syndrome. Also called: Neoplastic Syndromes, Hereditary; Tumor predisposition; Hereditary Cancer Syndrome; Hereditary neoplastic syndrome. Identifiers: Orphanet 140162, MedGen C0027672, MeSH D009386, MONDO:0015356.

Submissions (2):

Ambry Genetics
Classification: Uncertain significance for Hereditary cancer-predisposing syndrome. Last evaluated: 2025-10-31. Review status: criteria provided, single submitter. Criteria: Ambry Variant Classification Scheme 2023. Collection method: clinical testing. Allele origin: germline.
Comment: The p.V282G variant (also known as c.845T>G), located in coding exon 4 of the MSH6 gene, results from a T to G substitution at nucleotide position 845. The valine at codon 282 is replaced by glycine, an amino acid with dissimilar properties. This amino acid position is not well conserved in available vertebrate species. In addition, the in silico prediction for this alteration is inconclusive. Based on the available evidence, the clinical significance of this variant remains unclear.

Labcorp Genetics (formerly Invitae), Labcorp
Classification: Uncertain significance for Hereditary nonpolyposis colorectal neoplasms. Last evaluated: 2024-09-23. Review status: criteria provided, single submitter. Criteria: Invitae Variant Classification Sherloc (09022015). Collection method: clinical testing. Allele origin: germline.
Comment: This sequence change replaces valine, which is neutral and non-polar, with glycine, which is neutral and non-polar, at codon 282 of the MSH6 protein (p.Val282Gly). This variant is not present in population databases (gnomAD no frequency). This variant has not been reported in the literature in individuals affected with MSH6-related conditions. ClinVar contains an entry for this variant (Variation ID: 1763464). Invitae Evidence Modeling of protein sequence and biophysical properties (such as structural, functional, and spatial information, amino acid conservation, physicochemical variation, residue mobility, and thermodynamic stability) indicates that this missense variant is not expected to disrupt MSH6 protein function with a negative predictive value of 95%. In summary, the available evidence is currently insufficient to determine the role of this variant in disease. Therefore, it has been classified as a Variant of Uncertain Significance.